The following is an entry in ClinVar:

NM_022098.4(XPNPEP3):c.1055+15G>A

Gene: XPNPEP3 (X-prolyl aminopeptidase 3; plus strand). Cytogenetic location: 22q13.2.
Variant type: single nucleotide variant.
Coding change: c.1055+15G>A on transcript NM_022098.4 (MANE Select); 15 bases into the intron after coding-DNA position 1055, G replaced by A.
Molecular consequence: intron variant.
Genome position (GRCh38, 1-based): chr22:40,914,339, G>A. VCF-style: chr22-40914339-G-A. GRCh37 (hg19) VCF-style: chr22-41310343-G-A.
Identifiers: ClinVar variation 341672 (VCV000341672.15), dbSNP rs5995965, ClinGen allele CA10251845.

ClinVar aggregate classification (germline): Benign/Likely benign. Review status: criteria provided, multiple submitters, no conflicts (2 of 4 stars). 5 submissions from 5 submitters: Benign (3); Likely benign (2). Last evaluated 2026-01-27.

Conditions:
Nephronophthisis-like nephropathy 1 (NPHPL1). Identifiers: Orphanet 655, MedGen C3150419, MONDO:0013163, OMIM 613159.

Allele frequency attached by ClinVar (database versions not stated): ESP Exome Variant Server 0.00646; TOPMed 0.00688; 1000 Genomes Project 30x 0.00828; 1000 Genomes Project 0.00839.
gnomAD v4.1: 2,125 of 1,606,512 alleles (0.13%); highest among the groups gnomAD compares: African/African-American, 2.3%; 21 homozygotes.

Submissions (5):

Labcorp Genetics (formerly Invitae), Labcorp
Classification: Benign for Nephronophthisis-like nephropathy 1. Last evaluated: 2026-01-27. Review status: criteria provided, single submitter. Criteria: Invitae Variant Classification Sherloc (09022015). Collection method: clinical testing. Allele origin: germline.

Genomic Medicine Center of Excellence, King Faisal Specialist Hospital and Research Centre
Classification: Likely benign. Last evaluated: 2025-08-18. Review status: criteria provided, single submitter. Criteria: ACMG Guidelines, 2015. Collection method: clinical testing. Allele origin: germline.

Blueprint Genetics
Classification: Likely benign. Last evaluated: 2024-10-23. Review status: criteria provided, single submitter. Criteria: ACMG Guidelines, 2015. Collection method: clinical testing. Allele origin: germline.

Illumina Laboratory Services, Illumina
Classification: Benign for Nephronophthisis-like nephropathy 1. Last evaluated: 2018-01-13. Review status: criteria provided, single submitter. Criteria: ICSL Variant Classification Criteria 13 December 2019. Collection method: clinical testing. Allele origin: germline.
Comment: This variant was observed in the ICSL laboratory as part of a predisposition screen in an ostensibly healthy population. It had not been previously curated by ICSL or reported in the Human Gene Mutation Database (HGMD: prior to June 1st, 2018), and was therefore a candidate for classification through an automated scoring system. Utilizing variant allele frequency, disease prevalence and penetrance estimates, and inheritance mode, an automated score was calculated to assess if this variant is too frequent to cause the disease. Based on the score and internal cut-off values, a variant classified as benign is not then subjected to further curation. The score for this variant resulted in a classification of benign for this disease.

Breakthrough Genomics
Classification: Benign. Review status: criteria provided, single submitter. Criteria: ACMG Guidelines, 2015. Collection method: not provided. Allele origin: germline. Inheritance: Autosomal recessive inheritance. Affected: yes.